The following is an entry in ClinVar:

NM_001005361.3(DNM2):c.619C>G (p.Leu207Val)

Gene: DNM2 (dynamin 2; plus strand). Cytogenetic location: 19p13.2.
Variant type: single nucleotide variant.
Coding change: c.619C>G on transcript NM_001005361.3 (MANE Select); coding-DNA position 619, C replaced by G.
Protein change: p.Leu207Val; replaces leucine 207 with valine.
Molecular consequence: missense variant.
Genome position (GRCh38, 1-based): chr19:10,777,147, C>G. VCF-style: chr19-10777147-C-G. GRCh37 (hg19) VCF-style: chr19-10887823-C-G.
Other names: c.619C>G, p.Leu207Val (NM_001005360.3, NM_001005362.3, NM_001190716.2 and 1 more transcripts); short protein forms L207V.
Identifiers: ClinVar variation 3666872 (VCV003666872.2).
Genomic context (GRCh38, chr19:10,777,147, plus strand): 5'-CCTCTGACCTCTGACCTCTGGGCTCTTTCAGGCCTACGGACCATCGGTGTCATCACCAAG[C>G]TTGACCTGATGGACGAGGGCACCGACGCCAGGGACGTCTTGGAGAACAAGTTGCTCCCGT-3'
Protein context (NP_001005361.1, residues 197-217): GLRTIGVITK[Leu207Val]DLMDEGTDAR

ClinVar aggregate classification (germline): Uncertain significance (1 of 4 stars; one submission).

Conditions:
Charcot-Marie-Tooth disease dominant intermediate B (CMTDIB). Also called: CHARCOT-MARIE-TOOTH NEUROPATHY, DOMINANT INTERMEDIATE B; Charcot-Marie-Tooth disease dominant intermediate 1; CMT DI1; Charcot-Marie-Tooth disease dominant intermediate I. Identifiers: Orphanet 100044, Orphanet 228179, MedGen C1847902, MONDO:0011674, OMIM 606482.

Submission:

Labcorp Genetics (formerly Invitae), Labcorp
Classification: Uncertain significance for Charcot-Marie-Tooth disease dominant intermediate B. Last evaluated: 2024-06-24. Review status: criteria provided, single submitter. Criteria: Invitae Variant Classification Sherloc (09022015). Collection method: clinical testing. Allele origin: germline.
Comment: This sequence change replaces leucine, which is neutral and non-polar, with valine, which is neutral and non-polar, at codon 207 of the DNM2 protein (p.Leu207Val). This variant is not present in population databases (gnomAD no frequency). This variant has not been reported in the literature in individuals affected with DNM2-related conditions. Advanced modeling of protein sequence and biophysical properties (such as structural, functional, and spatial information, amino acid conservation, physicochemical variation, residue mobility, and thermodynamic stability) has been performed at Invitae for this missense variant, however the output from this modeling did not meet the statistical confidence thresholds required to predict the impact of this variant on DNM2 protein function. In summary, the available evidence is currently insufficient to determine the role of this variant in disease. Therefore, it has been classified as a Variant of Uncertain Significance.